The following is an entry in ClinVar:

ClinVar aggregate classification (germline): Likely pathogenic (1 of 4 stars; one submission).

Conditions:
Maple syrup urine disease (MSUD). Identifiers: Orphanet 511, MedGen C0024776, MeSH D008375, MONDO:0009563. Disease mechanism: loss of function.

Submission:

Myriad Genetics, Inc.
Classification: Likely pathogenic for Maple syrup urine disease type 1A. Last evaluated: 2022-05-03. Review status: criteria provided, single submitter. Criteria: Myriad Women's Health Autosomal Recessive and X-Linked Classification Criteria (2021). Collection method: clinical testing. Allele origin: unknown.
Comment: NM_001918.3(DBT):c.325dupA(T109Nfs*4) is expected to be pathogenic in the context of maple syrup urine disease type II. This variant is predicted to lead to an abnormal or absent protein product due to the creation of a premature termination codon in DBT, a gene where loss-of-function variants are known to be pathogenic. Please note: this variant was assessed in the context of healthy population screening.

NM_001918.5(DBT):c.325dup (p.Thr109fs)

Gene: DBT (dihydrolipoamide branched chain transacylase E2; minus strand). Cytogenetic location: 1p21.2.
Variant type: Duplication.
Coding change: c.325dup on transcript NM_001918.5 (MANE Select); coding-DNA position 325, one base duplicated (A; older notation c.325dupA).
Protein change: p.Thr109fs; shifts the reading frame from threonine 109.
Molecular consequence: frameshift variant. On other transcripts: 5 prime UTR variant (2), non-coding transcript variant (3).
Genome position (GRCh38, 1-based): chr1:100,230,841, T duplicated on the plus strand (A on the coding strand, the reverse complement: DBT is on the minus strand). VCF-style (leftmost placement, unchanged base first): chr1-100230840-G-GT. GRCh37 (hg19) VCF-style: chr1-100696396-G-GT.
Other names: c.-219dup (NM_001399969.1, NM_001399972.1); short protein forms T109fs.
Identifiers: ClinVar variation 1726004 (VCV001726004.2), dbSNP rs2524216875, ClinGen allele CA2580060681.